The following is an entry in ClinVar:

ClinVar aggregate classification (germline): Uncertain significance (1 of 4 stars; one submission).

gnomAD v4.1: 1 of 1,614,142 alleles (0.000062%); highest among the groups gnomAD compares: Non-Finnish European, 0.000085%; no homozygotes.

Submission:

Labcorp Genetics (formerly Invitae), Labcorp
Classification: Uncertain significance. Last evaluated: 2024-07-19. Review status: criteria provided, single submitter. Criteria: Invitae Variant Classification Sherloc (09022015). Collection method: clinical testing. Allele origin: germline.
Comment: This sequence change replaces alanine, which is neutral and non-polar, with threonine, which is neutral and polar, at codon 562 of the POLR3A protein (p.Ala562Thr). This variant is not present in population databases (gnomAD no frequency). This variant has not been reported in the literature in individuals affected with POLR3A-related conditions. Advanced modeling of protein sequence and biophysical properties (such as structural, functional, and spatial information, amino acid conservation, physicochemical variation, residue mobility, and thermodynamic stability) performed at Invitae indicates that this missense variant is not expected to disrupt POLR3A protein function with a negative predictive value of 80%. In summary, the available evidence is currently insufficient to determine the role of this variant in disease. Therefore, it has been classified as a Variant of Uncertain Significance.

NM_007055.4(POLR3A):c.1684G>A (p.Ala562Thr)

Gene: POLR3A (RNA polymerase III subunit A; minus strand). Cytogenetic location: 10q22.3.
Variant type: single nucleotide variant.
Coding change: c.1684G>A on transcript NM_007055.4 (MANE Select); coding-DNA position 1684, G replaced by A.
Protein change: p.Ala562Thr; replaces alanine 562 with threonine.
Molecular consequence: missense variant.
Genome position (GRCh38, 1-based): chr10:78,009,950, C>T on the plus strand (G>A on the coding strand, the complement: POLR3A is on the minus strand). VCF-style: chr10-78009950-C-T. GRCh37 (hg19) VCF-style: chr10-79769708-C-T.
Other names: short protein forms A562T.
Identifiers: ClinVar variation 3674196 (VCV003674196.2).